The following is an entry in ClinVar:

ClinVar aggregate classification (germline): Likely pathogenic (0 of 4 stars; one submission).

Submission:

Quest Diagnostics Nichols Institute San Juan Capistrano
Classification: Likely pathogenic. Last evaluated: 2021-05-01. Review status: no assertion criteria provided. Collection method: clinical testing. Allele origin: germline.
Comment: The copy number gain of 4q22.3q25 involves a number of protein-coding genes across multiple chromosomal bands, including six genes associated with autosomal dominant disorders: BMPR1B (OMIM 603248), ADH1C (OMIM 103730), MTTP (OMIM 157147), PPP3CA (OMIM 114105), NFKB1 (OMIM 164011) and SGMS2 (611574). Interstitial duplications of 4q overlapping this region have been reported in individuals with variable phenotypes that include intellectual disability, psychomotor delay, and multiple congenital anomalies, such as dysmorphic features, growth retardation, renal anomalies, and limb malformations (Tosca et al., Eur J Hum Genet. 2010 Aug;18(8):882-8. PMID: 20424646; Otsuka et al., Am J Med Genet A. 2005 Apr 30;134(3):330-3. PMID: 15732061; Navarro et al., Am J Med Genet. 1996 Mar 29;62(3):297-9. PMID: 8882791.). Although copy number gains involving this specific locus have not been associated with a clinical phenotype, based on gene content and the current medical literature, this copy number variant (CNVs) is interpreted as likely pathogenic.

GRCh37/hg19 4q22.3-25(chr4:95490755-109977216)x3

Genes: PDLIM5 (PDZ and LIM domain 5; plus strand), PPA2 (inorganic pyrophosphatase 2; minus strand), PPP3CA (protein phosphatase 3 catalytic subunit alpha; minus strand), TBCK (TBC1 domain containing kinase; minus strand), TET2 (tet methylcytosine dioxygenase 2; plus strand) and 52 more. Cytogenetic location: 4q22.3-25.
Variant type: copy number gain.
Change: copy number 3 (three copies instead of two) of chr4:95,490,755-109,977,216 (14.49 Mb, GRCh37 coordinates, 1-based), cytogenetic band 4q22.3-25.
Identifiers: ClinVar variation 1340302 (VCV001340302.1).